The following is an entry in ClinVar:

ClinVar aggregate classification (germline): Uncertain significance (1 of 4 stars; one submission).

Conditions:
Inborn genetic diseases. Identifiers: MedGen C0950123, MeSH D030342.

Submission:

Ambry Genetics
Classification: Uncertain significance for Inborn genetic diseases. Last evaluated: 2026-07-13. Review status: criteria provided, single submitter. Criteria: Ambry Variant Classification Scheme 2023. Collection method: clinical testing. Allele origin: germline.
Comment: The p.L1314V variant (also known as c.3940C>G), located in coding exon 1 of the SAMD9L gene, results from a C to G substitution at nucleotide position 3940. The leucine at codon 1314 is replaced by valine, an amino acid with highly similar properties. This amino acid position is conserved. In addition, this alteration is predicted to be tolerated by in silico analysis. Based on the available evidence, the clinical significance of this variant remains unclear.

NM_152703.5(SAMD9L):c.3940C>G (p.Leu1314Val)

Gene: SAMD9L (sterile alpha motif domain containing 9 like; minus strand). Cytogenetic location: 7q21.2.
Variant type: single nucleotide variant.
Coding change: c.3940C>G on transcript NM_152703.5 (MANE Select); coding-DNA position 3940, C replaced by G.
Protein change: p.Leu1314Val; replaces leucine 1314 with valine.
Molecular consequence: missense variant.
Genome position (GRCh38, 1-based): chr7:93,132,032, G>C on the plus strand (C>G on the coding strand, the complement: SAMD9L is on the minus strand). VCF-style: chr7-93132032-G-C. GRCh37 (hg19) VCF-style: chr7-92761345-G-C.
Other names: c.3940C>G, p.Leu1314Val (NM_001303496.3, NM_001303497.3, NM_001303498.3 and 5 more transcripts); short protein forms L1314V.
Identifiers: ClinVar variation 5028893 (VCV005028893.1).
Genomic context (GRCh38, chr7:93,132,032, plus strand): 5'-CTTCTAGCTTTTTCCTGCAATTCTCCTCCTGGAGTAATTGACTCTCTTTACTTTGTAATA[G>C]ACATGGATCCAAATGACAGAAAAGTTCTGTGTATTTCCTGAAACAACGACTGACTTTCTT-3'
Protein context (NP_689916.2, residues 1304-1324): TELFCHLDPC[Leu1314Val]LQSKESQLLQ